The following is an entry in ClinVar:

NM_022051.3(EGLN1):c.341C>G (p.Ala114Gly)

Gene: EGLN1 (egl-9 family hypoxia inducible factor 1; minus strand). Cytogenetic location: 1q42.2.
Variant type: single nucleotide variant.
Coding change: c.341C>G on transcript NM_022051.3 (MANE Select); coding-DNA position 341, C replaced by G.
Protein change: p.Ala114Gly; replaces alanine 114 with glycine.
Molecular consequence: missense variant.
Genome position (GRCh38, 1-based): chr1:231,421,548, G>C on the plus strand (C>G on the coding strand, the complement: EGLN1 is on the minus strand). VCF-style: chr1-231421548-G-C. GRCh37 (hg19) VCF-style: chr1-231557294-G-C.
Other names: c.341C>G, p.Ala114Gly (NM_001377260.1, NM_001377261.1); short protein forms A114G.
Identifiers: ClinVar variation 3274779 (VCV003274779.1).

ClinVar aggregate classification (germline): Uncertain significance (1 of 4 stars; one submission).

Submission:

Ambry Genetics
Classification: Uncertain significance. Last evaluated: 2024-04-01. Review status: criteria provided, single submitter. Criteria: Ambry Variant Classification Scheme 2023. Collection method: clinical testing. Allele origin: germline.
Comment: The p.A114G variant (also known as c.341C>G), located in coding exon 1 of the EGLN1 gene, results from a C to G substitution at nucleotide position 341. The alanine at codon 114 is replaced by glycine, an amino acid with similar properties. This amino acid position is conserved. In addition, this alteration is predicted to be tolerated by in silico analysis. Based on the available evidence, the clinical significance of this alteration remains unclear.